The following is an entry in ClinVar:

ClinVar aggregate classification (germline): Pathogenic. Review status: reviewed by expert panel (3 of 4 stars). 5 submissions from 5 submitters: Pathogenic (1). 4 of the submissions do not count toward it. Last evaluated 2025-09-07.

Conditions:
RPGR-related retinopathy. Also called: RPGR retinopathy. Identifiers: MedGen CN305589, MONDO:0100437.
X-linked cone-rod dystrophy 1 (CORDX1). Identifiers: Orphanet 1872, MedGen C1844776, MONDO:0010566, OMIM 304020.
RPGR-related disorder. Also called: RPGR-related condition.
Primary ciliary dyskinesia. Also called: Ciliary dyskinesia. Identifiers: Orphanet 244, MedGen C0008780, MONDO:0016575, HP:0012265.

Submissions (5):

ClinGen X-linked Inherited Retinal Disease Variant Curation Expert Panel, ClinGen
Classification: Pathogenic for RPGR-related retinopathy. Last evaluated: 2025-09-07. Review status: reviewed by expert panel. Criteria: ClinGen X LinkedIRD ACMG Specifications RPGR V1.0.0. Collection method: curation. Allele origin: germline. Inheritance: X-linked inheritance.
Comment: NM_001034853.2(RPGR):c.485_486del (p.Phe162TyrfsTer4) is a frameshift variant due to a 2-nucleotide deletion resulting in a premature stop codon after 4 amino acids within exon 6 of 15, which is predicted to trigger nonsense-mediated decay (PVS1). This variant is absent from gnomAD v4.1.0 (PM2_Supporting). This variant has been reported in at least 2 apparently unrelated probands meeting one of the PS4 requirements of a male with some functional vision impairment by age 30 years and/or decreased or absent electroretinogram responses, or a female with functional visual abnormality and documentation of a male relative affected with retinitis pigmentosa (PMID: 17325176, PMID: 32795431; PS4_Supporting). At least one proband harboring this variant exhibits a phenotype including onset in the first or second decade of life (1 pt), night blindness (0.5 pts), reduced visual acuity (0.5 pts), visual field constriction (0.5 pts), and myopia (0.5 pts), with a family history consistent with X-linked inheritance (2 pts), which together are specific for RPGR-related retinopathy (5 points, PMID: 26197217, PP4). The variant has been reported to segregate with retinal dystrophy through at least 6 affected meioses from 1 family (PP1_Moderate; PMID: 26197217). In summary, this variant is classified as pathogenic for RPGR-related retinopathy based on the ClinGen X-linked Inherited Retinal Disease Expert Panel Specifications to the ACMG/AMP Variant Interpretation Guidelines for RPGR Version 1.0.0; PVS1, PS4_Supporting, PM2_Supporting, PP1_Moderate, and PP4.

Blueprint Genetics
Classification: Pathogenic for RPGR-related disorders. Last evaluated: 2023-11-15. Review status: criteria provided, single submitter. Criteria: ACMG Guidelines, 2015. Collection method: clinical testing. Allele origin: germline. Affected: yes. Observed: 5 variant alleles. Not counted in ClinVar's aggregate classification.

Labcorp Genetics (formerly Invitae), Labcorp
Classification: Pathogenic for Primary ciliary dyskinesia. Last evaluated: 2023-06-27. Review status: criteria provided, single submitter. Criteria: Invitae Variant Classification Sherloc (09022015). Collection method: clinical testing. Allele origin: germline. Not counted in ClinVar's aggregate classification.
Comment: This sequence change creates a premature translational stop signal (p.Phe162Tyrfs*4) in the RPGR gene. It is expected to result in an absent or disrupted protein product. Loss-of-function variants in RPGR are known to be pathogenic (PMID: 16055928, 16969763). This variant is not present in population databases (gnomAD no frequency). This premature translational stop signal has been observed in individual(s) with retinitis pigmentosa (PMID: 10937588, 26197217). It has also been observed to segregate with disease in related individuals. This variant is also known as 544-5delTT and/or Phe162(2-bp del). ClinVar contains an entry for this variant (Variation ID: 98787). For these reasons, this variant has been classified as Pathogenic.

Joint Genome Diagnostic Labs from Nijmegen and Maastricht, Radboudumc and MUMC+
Classification: Pathogenic for X-linked cone-rod dystrophy 1. Last evaluated: 2016-09-01. Review status: no assertion criteria provided. Collection method: clinical testing. Allele origin: unknown. Affected: yes. Observed: 1 variant allele. Not counted in ClinVar's aggregate classification.

Retina International
No classification provided. Review status: no classification provided. Collection method: not provided. Allele origin: not provided. Not counted in ClinVar's aggregate classification.

Literature cited by the submitters: PubMed 16055928 (cited by Labcorp Genetics (formerly Invitae), Labcorp); PubMed 16969763 (cited by Labcorp Genetics (formerly Invitae), Labcorp); PubMed 10937588 (cited by Labcorp Genetics (formerly Invitae), Labcorp); PubMed 26197217 (cited by Labcorp Genetics (formerly Invitae), Labcorp).

NM_001034853.2(RPGR):c.485_486del (p.Phe162fs)

Gene: RPGR (retinitis pigmentosa GTPase regulator; minus strand). Cytogenetic location: Xp11.4.
Variant type: Deletion.
Coding change: c.485_486del on transcript NM_001034853.2 (MANE Select); coding-DNA positions 485 to 486, 2 bases deleted (TT; older notation c.485_486delTT).
Protein change: p.Phe162fs; shifts the reading frame from phenylalanine 162.
Molecular consequence: frameshift variant. On other transcripts: non-coding transcript variant (6).
Genome position (GRCh38, 1-based): chrX:38,317,449-38,317,450, AA deleted on the plus strand (TT on the coding strand, the reverse complement: RPGR is on the minus strand); deleting any 2 consecutive bases within chrX:38,317,449-38,317,453 gives the same sequence; the c. name uses the placement nearest the transcript's 3' end. VCF-style (leftmost placement, unchanged base first): chrX-38317448-TAA-T. GRCh37 (hg19) VCF-style: chrX-38176701-TAA-T.
Other names: NM_001034853.2(RPGR):c.485_486del; p.Phe162fs; c.485_486del, p.Phe162fs (NM_000328.3, NM_001367245.1, NM_001367246.1 and 3 more transcripts); c.515_516del, p.Phe172fs (NM_001367248.1); c.482_483del, p.Phe161fs (NM_001367249.1); short protein forms F162fs, F161fs, F172fs.
Identifiers: ClinVar variation 98787 (VCV000098787.8), dbSNP rs281865297, ClinGen allele CA226423.